The following is an entry in ClinVar:

NM_014956.5(CEP164):c.2442G>A (p.Val814=)

Gene: CEP164 (centrosomal protein 164; plus strand). Cytogenetic location: 11q23.3.
Variant type: single nucleotide variant.
Coding change: c.2442G>A on transcript NM_014956.5 (MANE Select); coding-DNA position 2442, G replaced by A.
Protein change: p.Val814=; no amino-acid change (valine 814 retained).
Molecular consequence: synonymous variant.
Genome position (GRCh38, 1-based): chr11:117,392,576, G>A. VCF-style: chr11-117392576-G-A. GRCh37 (hg19) VCF-style: chr11-117263292-G-A.
Other names: c.2217G>A, p.Val739= (NM_001440975.1, NM_001440976.1, NM_001440977.1 and 6 more transcripts); c.2232G>A, p.Val744= (NM_001440978.1); c.2154G>A, p.Val718= (NM_001440983.1); c.2085G>A, p.Val695= (NM_001440984.1, NM_001440990.1); c.2067G>A, p.Val689= (NM_001440987.1); c.2007G>A, p.Val669= (NM_001440992.1); c.2442G>A (NM_014956.4); c.2451G>A, p.Val817= (NM_001271933.2, NM_001440949.1); and 8 more.
Identifiers: ClinVar variation 4914139 (VCV004914139.2).

ClinVar aggregate classification (germline): Likely benign. Review status: criteria provided, multiple submitters, no conflicts (2 of 4 stars). 2 submissions from 2 submitters: Likely benign (2). Last evaluated 2025-08-08.

Conditions:
CEP164-related disorder. Also called: CEP164-related condition.

gnomAD v4.1: 14 of 1,614,050 alleles (0.00087%); highest among the groups gnomAD compares: Admixed American, 0.0017%; no homozygotes.

Submissions (2):

PreventionGenetics, part of Exact Sciences
Classification: Likely benign for CEP164-related condition. Last evaluated: 2025-08-08. Review status: criteria provided, single submitter. Criteria: ACMG Guidelines, 2015. Collection method: clinical testing. Allele origin: germline.
Comment: This variant is classified as likely benign based on ACMG/AMP sequence variant interpretation guidelines (Richards et al. 2015 PMID: 25741868, with internal and published modifications).

Blueprint Genetics
Classification: Likely benign. Last evaluated: 2024-09-23. Review status: criteria provided, single submitter. Criteria: ACMG Guidelines, 2015. Collection method: clinical testing. Allele origin: germline.